The following is an entry in ClinVar:

ClinVar aggregate classification (germline): Uncertain significance (1 of 4 stars; one submission).

Submission:

Labcorp Genetics (formerly Invitae), Labcorp
Classification: Uncertain significance. Last evaluated: 2022-08-16. Review status: criteria provided, single submitter. Criteria: Invitae Variant Classification Sherloc (09022015). Collection method: clinical testing. Allele origin: germline.
Comment: This variant is not present in population databases (gnomAD no frequency). This sequence change creates a premature translational stop signal (p.Trp908*) in the DDX58 gene. While this is not anticipated to result in nonsense mediated decay, it is expected to disrupt the last 18 amino acid(s) of the DDX58 protein. This variant has not been reported in the literature in individuals affected with DDX58-related conditions. In summary, the available evidence is currently insufficient to determine the role of this variant in disease. Therefore, it has been classified as a Variant of Uncertain Significance. Experimental studies and prediction algorithms are not available or were not evaluated, and the functional significance of this variant is currently unknown. ClinVar contains an entry for this variant (Variation ID: 1358102).

NM_014314.4(RIGI):c.2723G>A (p.Trp908Ter)

Gene: RIGI (RNA sensor RIG-I; minus strand). Cytogenetic location: 9p21.1.
Variant type: single nucleotide variant.
Coding change: c.2723G>A on transcript NM_014314.4 (MANE Select); coding-DNA position 2723, G replaced by A.
Protein change: p.Trp908Ter; replaces tryptophan 908 with a stop codon.
Molecular consequence: nonsense.
Genome position (GRCh38, 1-based): chr9:32,457,177, C>T on the plus strand (G>A on the coding strand, the complement: RIGI is on the minus strand). VCF-style: chr9-32457177-C-T. GRCh37 (hg19) VCF-style: chr9-32457175-C-T.
Other names: c.2717G>A, p.Trp906Ter (NM_001385907.1); c.2552G>A, p.Trp851Ter (NM_001385909.1); c.2282G>A, p.Trp761Ter (NM_001385910.1); c.2114G>A, p.Trp705Ter (NM_001385912.1); c.2708G>A, p.Trp903Ter (NM_001385913.1); c.2279G>A, p.Trp760Ter (NM_001385914.1); short protein forms W908*, W705*, W851*, W906*, W760*, W903*, W761*.
Identifiers: ClinVar variation 1358102 (VCV001358102.6), dbSNP rs2118627657, ClinGen allele CA373141549.